The following is an entry in ClinVar:

ClinVar aggregate classification (germline): Uncertain significance. Review status: criteria provided, multiple submitters, no conflicts (2 of 4 stars). 2 submissions from 2 submitters: Uncertain significance (2). Last evaluated 2025-02-04.

Conditions:
Bardet-Biedl syndrome (BBS). Identifiers: Orphanet 110, MedGen C0752166, MONDO:0015229.
BBS4-related disorder. Also called: BBS4-related condition.

Allele frequency attached by ClinVar (database versions not stated): ExAC 0.00001; gnomAD exomes 0.00002; ESP Exome Variant Server 0.00008.
gnomAD v4.1: 33 of 1,614,020 alleles (0.002%); highest among the groups gnomAD compares: Non-Finnish European, 0.0025%; no homozygotes.

Submissions (2):

PreventionGenetics, part of Exact Sciences
Classification: Uncertain significance for BBS4-related condition. Last evaluated: 2025-02-04. Review status: criteria provided, single submitter. Criteria: ACMG Guidelines, 2015. Collection method: clinical testing. Allele origin: germline.
Comment: The BBS4 c.776A>T variant is predicted to result in the amino acid substitution p.Tyr259Phe. To our knowledge, this variant has not been reported in the literature. This variant is reported in 0.0062% of alleles in individuals of African descent in gnomAD. At this time, the clinical significance of this variant is uncertain due to the absence of conclusive functional and genetic evidence.

Labcorp Genetics (formerly Invitae), Labcorp
Classification: Uncertain significance for Bardet-Biedl syndrome. Last evaluated: 2022-03-29. Review status: criteria provided, single submitter. Criteria: Invitae Variant Classification Sherloc (09022015). Collection method: clinical testing. Allele origin: germline.
Comment: This sequence change replaces tyrosine, which is neutral and polar, with phenylalanine, which is neutral and non-polar, at codon 259 of the BBS4 protein (p.Tyr259Phe). This variant is present in population databases (rs146595193, gnomAD 0.007%). This variant has not been reported in the literature in individuals affected with BBS4-related conditions. Algorithms developed to predict the effect of missense changes on protein structure and function are either unavailable or do not agree on the potential impact of this missense change (SIFT: "Deleterious"; PolyPhen-2: "Probably Damaging"; Align-GVGD: "Class C0"). In summary, the available evidence is currently insufficient to determine the role of this variant in disease. Therefore, it has been classified as a Variant of Uncertain Significance.

NM_033028.5(BBS4):c.776A>T (p.Tyr259Phe)

Gene: BBS4 (Bardet-Biedl syndrome 4; plus strand). Cytogenetic location: 15q24.1.
Variant type: single nucleotide variant.
Coding change: c.776A>T on transcript NM_033028.5 (MANE Select); coding-DNA position 776, A replaced by T.
Protein change: p.Tyr259Phe; replaces tyrosine 259 with phenylalanine.
Molecular consequence: missense variant. On other transcripts: non-coding transcript variant (2).
Genome position (GRCh38, 1-based): chr15:72,731,369, A>T. VCF-style: chr15-72731369-A-T. GRCh37 (hg19) VCF-style: chr15-73023710-A-T.
Other names: c.776A>T (NM_033028.4); c.260A>T, p.Tyr87Phe (NM_001252678.2); c.707A>T, p.Tyr236Phe (NM_001320665.2); short protein forms Y259F, Y236F, Y87F.
Identifiers: ClinVar variation 1379795 (VCV001379795.4), dbSNP rs146595193, ClinGen allele CA7646765.